The following is an entry in ClinVar:

ClinVar aggregate classification (germline): Uncertain significance (3 of 4 stars; one submission).

Conditions:
Hereditary factor VIII deficiency disease (HEMA). Also called: HEMOPHILIA, CLASSIC; AUTOSOMAL HEMOPHILIA A; Hemophilia A; Hemophilia A, congenital; HEM A; Factor 8 deficiency, congenital. Identifiers: Orphanet 98878, MedGen C0019069, MONDO:0010602, OMIM 306700.

Submission:

ClinGen Coagulation Factor Deficiency Variant Curation Expert Panel, Clingen
Classification: Uncertain significance for Hereditary factor VIII deficiency disease. Last evaluated: 2025-03-10. Review status: reviewed by expert panel. Criteria: ClinGen CoagFactor ACMG Specifications F8 V1.0.0. Collection method: curation. Allele origin: germline. Inheritance: X-linked inheritance.
Comment: The intronic variant, NM_000132.3:c.144-26A>C, is not reported in gnomAD v2.1 or v3.1.2 meeting PM2_Supporting criteria. SpliceAI predicts an acceptor loss of 0.07, which is above the BP4 threshold of 0.05 and below the PP3 threshold of 0.5, so neither code was applied. The nucleotide at this position is also conserved. These probands meet F8 phenotype criteria specified by the CFD VCEP: PS4_Mod. In summary, the clinical significance of this variant is uncertain. ACMG/AMP criteria applied, as specified by the Coagulation Factor Deficiency Variant Curation Expert Panel for F8: PS4_Moderate, PM2_Supporting.

NM_000132.4(F8):c.144-26A>C

Gene: F8 (coagulation factor VIII; minus strand). Cytogenetic location: Xq28.
Variant type: single nucleotide variant.
Coding change: c.144-26A>C on transcript NM_000132.4 (MANE Select); 26 bases into the intron before coding-DNA position 144, A replaced by C.
Molecular consequence: intron variant.
Genome position (GRCh38, 1-based): chrX:154,999,626, T>G on the plus strand (A>C on the coding strand, the complement: F8 is on the minus strand). VCF-style: chrX-154999626-T-G. GRCh37 (hg19) VCF-style: chrX-154227901-T-G.
Other names: NM_000132.4:c.144-26A>C.
Identifiers: ClinVar variation 3775066 (VCV003775066.1).
Genomic context (GRCh38, chrX:154,999,626, plus strand): 5'-TGAATGGAAAAGATTTTGGCACTCTAGGAGGAAATCTGCGTGAAGAAAGGAAAAAGTCGT[T>G]CATTTTGGTGGACACTTCAAAAAGCAGCTGGAAGTAATGCTTCCATACTACTCTTTTCTA-3'